The following is an entry in ClinVar:

ClinVar aggregate classification (germline): Pathogenic (1 of 4 stars; one submission).

Conditions:
UDPglucose-4-epimerase deficiency. Also called: UDPglucose 4-Epimerase Deficiency Disease; Epimerase Deficiency Galactosemia; GALACTOSEMIA III; GALE DEFICIENCY; UDP-GALACTOSE-4-EPIMERASE DEFICIENCY; Galactose epimerase deficiency. Identifiers: Orphanet 352, Orphanet 79238, MedGen C0751161, MONDO:0009257, OMIM 230350.

Submission:

Labcorp Genetics (formerly Invitae), Labcorp
Classification: Pathogenic for UDPglucose-4-epimerase deficiency. Last evaluated: 2023-12-13. Review status: criteria provided, single submitter. Criteria: Invitae Variant Classification Sherloc (09022015). Collection method: clinical testing. Allele origin: germline.
Comment: This sequence change creates a premature translational stop signal (p.Val212Leufs*17) in the GALE gene. It is expected to result in an absent or disrupted protein product. Loss-of-function variants in GALE are known to be pathogenic (PMID: 16301867). This variant is not present in population databases (gnomAD no frequency). This variant has not been reported in the literature in individuals affected with GALE-related conditions. For these reasons, this variant has been classified as Pathogenic.

Literature cited by the submitters: PubMed 16301867.

NM_001008216.2(GALE):c.634_635del (p.Val212fs)

Gene: GALE (UDP-galactose-4-epimerase; minus strand). Cytogenetic location: 1p36.11.
Variant type: Deletion.
Coding change: c.634_635del on transcript NM_001008216.2 (MANE Select); coding-DNA positions 634 to 635, 2 bases deleted (GT; older notation c.634_635delGT).
Protein change: p.Val212fs; shifts the reading frame from valine 212.
Molecular consequence: frameshift variant.
Genome position (GRCh38, 1-based): chr1:23,797,041-23,797,042, AC deleted on the plus strand (GT on the coding strand, the reverse complement: GALE is on the minus strand); deleting any 2 consecutive bases within chr1:23,797,041-23,797,043 gives the same sequence; the c. name uses the placement nearest the transcript's 3' end. VCF-style (leftmost placement, unchanged base first): chr1-23797040-GAC-G. GRCh37 (hg19) VCF-style: chr1-24123530-GAC-G.
Other names: c.634_635del, p.Val212fs (NM_000403.4, NM_001127621.2); short protein forms V212fs.
Identifiers: ClinVar variation 2696158 (VCV002696158.3), dbSNP rs1638981096, ClinGen allele CA1158960970.
Genomic context (GRCh38, chr1:23,797,040, plus strand): 5'-AGGCACCAGCTTTAACCCCAGGGCCACTCCTCTGTCCCTTCCCTTTTGCCTTACCTGGGA[GAC>G]ATAAGGCATGAGGTTGTTGGGTATGCCCTGGGGATCCTCACCAATGCAGCCAGAGGCATG-3'